The following is an entry in ClinVar:

ClinVar aggregate classification (germline): Uncertain significance (1 of 4 stars; one submission).

Allele frequency attached by ClinVar (database versions not stated): gnomAD exomes below 0.00001.
gnomAD v4.1: 1 of 1,613,840 alleles (0.000062%); highest among the groups gnomAD compares: Non-Finnish European, 0.000085%; no homozygotes.

Submission:

Labcorp Genetics (formerly Invitae), Labcorp
Classification: Uncertain significance. Last evaluated: 2023-09-30. Review status: criteria provided, single submitter. Criteria: Invitae Variant Classification Sherloc (09022015). Collection method: clinical testing. Allele origin: germline.
Comment: Advanced modeling of protein sequence and biophysical properties (such as structural, functional, and spatial information, amino acid conservation, physicochemical variation, residue mobility, and thermodynamic stability) has been performed at Invitae for this missense variant, however the output from this modeling did not meet the statistical confidence thresholds required to predict the impact of this variant on SCN3A protein function. In summary, the available evidence is currently insufficient to determine the role of this variant in disease. Therefore, it has been classified as a Variant of Uncertain Significance. This variant has not been reported in the literature in individuals affected with SCN3A-related conditions. This variant is not present in population databases (gnomAD no frequency). This sequence change replaces glycine, which is neutral and non-polar, with aspartic acid, which is acidic and polar, at codon 1221 of the SCN3A protein (p.Gly1221Asp).

NM_006922.4(SCN3A):c.3662G>A (p.Gly1221Asp)

Gene: SCN3A (sodium voltage-gated channel alpha subunit 3; minus strand). Cytogenetic location: 2q24.3.
Variant type: single nucleotide variant.
Coding change: c.3662G>A on transcript NM_006922.4 (MANE Select); coding-DNA position 3662, G replaced by A.
Protein change: p.Gly1221Asp; replaces glycine 1221 with aspartic acid.
Molecular consequence: missense variant.
Genome position (GRCh38, 1-based): chr2:165,113,823, C>T on the plus strand (G>A on the coding strand, the complement: SCN3A is on the minus strand). VCF-style: chr2-165113823-C-T. GRCh37 (hg19) VCF-style: chr2-165970333-C-T.
Other names: c.3515G>A, p.Gly1172Asp (NM_001081676.2, NM_001081677.2); short protein forms G1172D, G1221D.
Identifiers: ClinVar variation 2880507 (VCV002880507.3), dbSNP rs2468155146, ClinGen allele CA349033266.
Genomic context (GRCh38, chr2:165,113,823, plus strand): 5'-AGAATAAACTATTTCACCAGAATCTGATTCTTGCCAATATGCATTTCACTTACCAATGCA[C>T]CACTACTGAGAAGGATCATGAACACAATGAAAGTCTCAAACCAGTTGTGCTCAACAATAC-3'
Protein context (NP_008853.3, residues 1211-1231): FIVFMILLSS[Gly1221Asp]ALAFEDIYIE